The following is an entry in ClinVar:

ClinVar aggregate classification (germline): Uncertain significance. Review status: criteria provided, multiple submitters, no conflicts (2 of 4 stars). 2 submissions from 2 submitters: Uncertain significance (2). Last evaluated 2026-03-31.

Conditions:
Cardiomyopathy (CMYO). Also called: Cardiomyopathies. Identifiers: Orphanet 167848, MedGen C0878544, MONDO:0004994, HP:0001638. Inheritance: Various modes of inheritance.

gnomAD v4.1: 2 of 1,613,864 alleles (0.00012%); highest among the groups gnomAD compares: Non-Finnish European, 0.00017%; no homozygotes.

Submissions (2):

GeneDx
Classification: Uncertain significance. Last evaluated: 2026-03-31. Review status: criteria provided, single submitter. Criteria: GeneDx Variant Classification Process June 2021. Collection method: clinical testing. Allele origin: germline.
Comment: Not observed at significant frequency in large population cohorts (gnomAD); In silico analysis supports that this missense variant has a deleterious effect on protein structure/function; Has not been previously published as pathogenic or benign to our knowledge; Located in one of the three hot-spot regions of the RYR2 gene, where the majority of pathogenic missense variants occur (PMID: 19926015); This variant is associated with the following publications: (PMID: 19926015)

Color Diagnostics, LLC DBA Color Health
Classification: Uncertain significance for Cardiomyopathy. Last evaluated: 2023-10-16. Review status: criteria provided, single submitter. Criteria: ACMG Guidelines, 2015. Collection method: clinical testing. Allele origin: germline.
Comment: This missense variant replaces methionine with threonine at codon 4052 of the RYR2 protein. Computational prediction suggests that this variant may have deleterious impact on protein structure and function (internally defined REVEL score threshold >= 0.7, PMID: 27666373). To our knowledge, functional studies have not been reported for this variant. This variant has not been reported in individuals affected with RYR2-related disorders in the literature. This variant has not been identified in the general population by the Genome Aggregation Database (gnomAD). The available evidence is insufficient to determine the role of this variant in disease conclusively. Therefore, this variant is classified as a Variant of Uncertain Significance.

NM_001035.3(RYR2):c.12155T>C (p.Met4052Thr)

Gene: RYR2 (ryanodine receptor 2; plus strand). Cytogenetic location: 1q43.
Variant type: single nucleotide variant.
Coding change: c.12155T>C on transcript NM_001035.3 (MANE Select); coding-DNA position 12155, T replaced by C.
Protein change: p.Met4052Thr; replaces methionine 4052 with threonine.
Molecular consequence: missense variant.
Genome position (GRCh38, 1-based): chr1:237,783,867, T>C. VCF-style: chr1-237783867-T-C. GRCh37 (hg19) VCF-style: chr1-237947167-T-C.
Other names: c.12155T>C (NM_001035.2); short protein forms M4052T.
Identifiers: ClinVar variation 3894402 (VCV003894402.2).